The following is an entry in ClinVar:

NM_001386393.1(PANK2):c.49G>A (p.Gly17Ser)

Genes: PANK2 (pantothenate kinase 2; plus strand), LOC130065345 (ATAC-STARR-seq lymphoblastoid silent region 12635; plus strand). Cytogenetic location: 20p13.
Variant type: single nucleotide variant.
Coding change: c.49G>A on transcript NM_001386393.1 (MANE Select); coding-DNA position 49, G replaced by A.
Protein change: p.Gly17Ser; replaces glycine 17 with serine.
Molecular consequence: missense variant. On other transcripts: 5 prime UTR variant (1), non-coding transcript variant (1), intron variant (1).
Genome position (GRCh38, 1-based): chr20:3,889,479, G>A. VCF-style: chr20-3889479-G-A. GRCh37 (hg19) VCF-style: chr20-3870126-G-A.
Other names: c.-663G>A (NM_001324191.2); c.379G>A, p.Gly127Ser (NM_001324192.1, NM_153638.4); c.-246+575G>A (NM_024960.6); short protein forms G127S, G17S.
Identifiers: ClinVar variation 1373586 (VCV001373586.8), dbSNP rs1214737069, ClinGen allele CA408140814.

ClinVar aggregate classification (germline): Uncertain significance (1 of 4 stars; one submission).

Conditions:
Pigmentary pallidal degeneration (NBIA1). Also called: HARP SYNDROME; Pantothenate Kinase-Associated Neurodegeneration; PKAN NEUROAXONAL DYSTROPHY, JUVENILE-ONSET; Neuroaxonal dystrophy, late infantile; Hallervorden-Spatz disease; Neurodegeneration with brain iron accumulation 1. Identifiers: Orphanet 157850, MedGen C0018523, MONDO:0009319, OMIM 234200.

Allele frequency attached by ClinVar (database versions not stated): gnomAD exomes below 0.00001 and 0.00001.
gnomAD v4.1: 1 of 1,493,938 alleles (0.000067%); highest among the groups gnomAD compares: Admixed American, 0.0023%; no homozygotes.

Submission:

Labcorp Genetics (formerly Invitae), Labcorp
Classification: Uncertain significance for Pigmentary pallidal degeneration. Last evaluated: 2021-12-02. Review status: criteria provided, single submitter. Criteria: Invitae Variant Classification Sherloc (09022015). Collection method: clinical testing. Allele origin: germline.
Comment: This sequence change replaces glycine, which is neutral and non-polar, with serine, which is neutral and polar, at codon 127 of the PANK2 protein (p.Gly127Ser). The frequency data for this variant in the population databases is considered unreliable, as metrics indicate poor data quality at this position in the gnomAD database. This variant has not been reported in the literature in individuals affected with PANK2-related conditions. Algorithms developed to predict the effect of missense changes on protein structure and function (SIFT, PolyPhen-2, Align-GVGD) all suggest that this variant is likely to be tolerated. In summary, the available evidence is currently insufficient to determine the role of this variant in disease. Therefore, it has been classified as a Variant of Uncertain Significance.